The following is an entry in ClinVar:

ClinVar aggregate classification (germline): Uncertain significance (1 of 4 stars; one submission).

Submission:

Labcorp Genetics (formerly Invitae), Labcorp
Classification: Uncertain significance. Last evaluated: 2022-11-28. Review status: criteria provided, single submitter. Criteria: Invitae Variant Classification Sherloc (09022015). Collection method: clinical testing. Allele origin: germline.
Comment: Algorithms developed to predict the effect of missense changes on protein structure and function (SIFT, PolyPhen-2, Align-GVGD) all suggest that this variant is likely to be disruptive. In summary, the available evidence is currently insufficient to determine the role of this variant in disease. Therefore, it has been classified as a Variant of Uncertain Significance. This variant has not been reported in the literature in individuals affected with TET2-related conditions. This variant is not present in population databases (gnomAD no frequency). This sequence change replaces leucine, which is neutral and non-polar, with valine, which is neutral and non-polar, at codon 1418 of the TET2 protein (p.Leu1418Val).

NM_001127208.3(TET2):c.4252C>G (p.Leu1418Val)

Genes: TET2 (tet methylcytosine dioxygenase 2; plus strand), TET2-AS1 (TET2 antisense RNA 1; minus strand). Cytogenetic location: 4q24.
Variant type: single nucleotide variant.
Coding change: c.4252C>G on transcript NM_001127208.3 (MANE Select); coding-DNA position 4252, C replaced by G.
Protein change: p.Leu1418Val; replaces leucine 1418 with valine.
Molecular consequence: missense variant.
Genome position (GRCh38, 1-based): chr4:105,272,633, C>G. VCF-style: chr4-105272633-C-G. GRCh37 (hg19) VCF-style: chr4-106193790-C-G.
Other names: short protein forms L1418V.
Identifiers: ClinVar variation 2816979 (VCV002816979.3), dbSNP rs1441244006, ClinGen allele CA357811253.